The following is an entry in ClinVar:

ClinVar aggregate classification (germline): Uncertain significance (1 of 4 stars; one submission).

Submission:

Women's Health and Genetics/Laboratory Corporation of America, LabCorp
Classification: Uncertain significance. Last evaluated: 2026-05-20. Review status: criteria provided, single submitter. Criteria: LabCorp Variant Classification Summary - May 2015. Collection method: clinical testing. Allele origin: germline.
Comment: Variant summary: CNGB1 c.3418dupG (p.Ala1140GlyfsX153) causes a frameshift which results in an extension of the protein. The variant was absent in 249498 control chromosomes. The available data on variant occurrences in the general population are insufficient to allow any conclusion about variant significance. To our knowledge, no occurrence of c.3418dupG in individuals affected with CNGB1-related conditions and no experimental evidence demonstrating its impact on protein function have been reported. No submitters have cited clinical-significance assessments for this variant to ClinVar. Based on the evidence outlined above, the variant was classified as uncertain significance.

NM_001297.5(CNGB1):c.3418dup (p.Ala1140fs)

Gene: CNGB1 (cyclic nucleotide gated channel subunit beta 1; minus strand). Cytogenetic location: 16q21.
Variant type: Duplication.
Coding change: c.3418dup on transcript NM_001297.5 (MANE Select); coding-DNA position 3418, one base duplicated (G; older notation c.3418dupG).
Protein change: p.Ala1140fs; shifts the reading frame from alanine 1140.
Molecular consequence: frameshift variant.
Genome position (GRCh38, 1-based): chr16:57,887,899, C duplicated on the plus strand (G on the coding strand, the reverse complement: CNGB1 is on the minus strand); the first of 2 consecutive C bases (chr16:57,887,899-57,887,900); duplicating either gives the same sequence. VCF-style (leftmost placement, unchanged base first): chr16-57887898-G-GC. GRCh37 (hg19) VCF-style: chr16-57921802-G-GC.
Other names: c.3418dupG (NM_001297.5); c.3400dup, p.Ala1134fs (NM_001286130.2); short protein forms A1134fs, A1140fs.
Identifiers: ClinVar variation 4853778 (VCV004853778.1).